The following is an entry in ClinVar:

NM_006180.6(NTRK2):c.1633+2696_1633+2697insTATATACA

Gene: NTRK2 (neurotrophic receptor tyrosine kinase 2; plus strand). Cytogenetic location: 9q21.33.
Variant type: Microsatellite.
Coding change: c.1633+2696_1633+2697insTATATACA on transcript NM_006180.6 (MANE Select); bases 2696 to 2697 of the intron after coding-DNA position 1633, TATATACA inserted.
Molecular consequence: intron variant.
Genome position: GRCh38 VCF-style: chr9-84870126-T-TATATATAC. GRCh37 (hg19) VCF-style: chr9-87485041-T-TATATATAC.
Other names: c.1585+2696_1585+2697insTATATACA (NM_001369532.1, NM_001369533.1, NM_001018064.3); c.1586-1662_1586-1661insTATATACA (NM_001018066.3, NM_001369538.1); c.1634-1662_1634-1661insTATATACA (NM_001369537.1, NM_001018065.2); c.1549+2696_1549+2697insTATATACA (NM_001369534.1); c.1165+2696_1165+2697insTATATACA (NM_001369536.1); c.1117+2696_1117+2697insTATATACA (NM_001369535.1).
Identifiers: ClinVar variation 3234551 (VCV003234551.20), dbSNP rs774255186.

ClinVar aggregate classification (germline): Likely benign (1 of 4 stars; one submission).

Submission:

CeGaT Center for Human Genetics Tuebingen
Classification: Likely benign. Last evaluated: 2025-01-01. Review status: criteria provided, single submitter. Criteria: CeGaT Center For Human Genetics Tuebingen Variant Classification Criteria Version 2. Collection method: clinical testing. Allele origin: germline. Affected: yes. Observed: 8 variant alleles.
Comment: NTRK2: BS1